The following is an entry in ClinVar:

NM_001939.3(DRP2):c.1229G>A (p.Arg410His)

Gene: DRP2 (dystrophin related protein 2; plus strand). Cytogenetic location: Xq22.1.
Variant type: single nucleotide variant.
Coding change: c.1229G>A on transcript NM_001939.3 (MANE Select); coding-DNA position 1229, G replaced by A.
Protein change: p.Arg410His; replaces arginine 410 with histidine.
Molecular consequence: missense variant.
Genome position (GRCh38, 1-based): chrX:101,247,141, G>A. VCF-style: chrX-101247141-G-A. GRCh37 (hg19) VCF-style: chrX-100502130-G-A.
Other names: c.995G>A, p.Arg332His (NM_001171184.2); short protein forms R332H, R410H.
Identifiers: ClinVar variation 2899194 (VCV002899194.3), dbSNP rs1197805711, ClinGen allele CA413923685.
Genomic context (GRCh38, chrX:101,247,141, plus strand): 5'-TCTTTGCAGCTGATCTGAACAACATTAAGTTCTCAGCTTATCGCACTGCCATGAAACTCC[G>A]CAGAGTCCAGAAAGCCCTGCGCTGTACGTCTCCTGTTGTACTTCCCTATGACGTTCACCA-3'
Protein context (NP_001930.2, residues 400-420): FSAYRTAMKL[Arg410His]RVQKALRLDL

ClinVar aggregate classification (germline): Uncertain significance (1 of 4 stars; one submission).

Allele frequency attached by ClinVar (database versions not stated): TOPMed 0.00003; gnomAD 0.00001.
gnomAD v4.1: 9 of 1,207,978 alleles (0.00075%); highest among the groups gnomAD compares: South Asian, 0.0035%; no homozygotes.

Submission:

Labcorp Genetics (formerly Invitae), Labcorp
Classification: Uncertain significance. Last evaluated: 2025-10-24. Review status: criteria provided, single submitter. Criteria: Invitae Variant Classification Sherloc (09022015). Collection method: clinical testing. Allele origin: germline.
Comment: This sequence change replaces arginine, which is basic and polar, with histidine, which is basic and polar, at codon 410 of the DRP2 protein (p.Arg410His). The frequency data for this variant in the population databases is considered unreliable, as metrics indicate poor data quality at this position in the gnomAD database. This variant has not been reported in the literature in individuals affected with DRP2-related conditions. ClinVar contains an entry for this variant (Variation ID: 2899194). Invitae Evidence Modeling of protein sequence and biophysical properties (such as structural, functional, and spatial information, amino acid conservation, physicochemical variation, residue mobility, and thermodynamic stability) indicates that this missense variant is not expected to disrupt DRP2 protein function with a negative predictive value of 80%. In summary, the available evidence is currently insufficient to determine the role of this variant in disease. Therefore, it has been classified as a Variant of Uncertain Significance.